The following is an entry in ClinVar:

NC_000019.9:g.(?_41858575)_(41869424_?)del

Genes: B9D2 (B9 domain containing 2; minus strand), TGFB1 (transforming growth factor beta 1; minus strand). Cytogenetic location: 19q13.2.
Variant type: Deletion.
Identifiers: ClinVar variation 3242654 (VCV003242654.1).

ClinVar aggregate classification (germline): Uncertain significance (1 of 4 stars; one submission).

Submission:

Labcorp Genetics (formerly Invitae), Labcorp
Classification: Uncertain significance. Last evaluated: 2023-08-20. Review status: criteria provided, single submitter. Criteria: Invitae Variant Classification Sherloc (09022015). Collection method: clinical testing. Allele origin: unknown.
Comment: In summary, the available evidence is currently insufficient to determine the role of this variant in disease. Therefore, it has been classified as a Variant of Uncertain Significance. This variant has not been reported in the literature in individuals affected with TGFB1-related conditions. This variant is a gross deletion of the genomic region encompassing exon(s) 1 of the TGFB1 gene, which includes the initiator codon. This deletion extends beyond the assayed region for this gene and therefore may encompass additional genes. It is expected to result in an absent or disrupted protein product. However, the current clinical and genetic evidence is not sufficient to establish whether loss-of-function variants in TGFB1 cause disease.